The following is an entry in ClinVar:

ClinVar aggregate classification (germline): Conflicting classifications of pathogenicity. Review status: criteria provided, conflicting classifications (1 of 4 stars). 6 submissions from 6 submitters: Pathogenic (1); Likely pathogenic (4); Uncertain significance (1). Last evaluated 2025-10-21.

Conditions:
Holocarboxylase synthetase deficiency. Also called: MULTIPLE CARBOXYLASE DEFICIENCY, EARLY ONSET. Identifiers: Orphanet 79242, MedGen C0268581, MONDO:0009666, OMIM 253270.

Allele frequency attached by ClinVar (database versions not stated): ExAC 0.00002; gnomAD exomes 0.00002; gnomAD 0.00004; TOPMed 0.00004; ESP Exome Variant Server 0.00008; 1000 Genomes Project 30x 0.00016; 1000 Genomes Project 0.00020.
gnomAD v4.1: 20 of 1,614,048 alleles (0.0012%); highest among the groups gnomAD compares: Admixed American, 0.01%; no homozygotes.

Submissions (6):

Myriad Genetics, Inc.
Classification: Likely pathogenic for Holocarboxylase synthetase deficiency. Last evaluated: 2025-10-21. Review status: criteria provided, single submitter. Criteria: Myriad Autosomal Dominant, Autosomal Recessive and X-Linked Classification Criteria (2023). Collection method: clinical testing. Allele origin: unknown.
Comment: NM_000411.6(HLCS):c.1900G>A(D634N) is a missense variant classified as likely pathogenic in the context of holocarboxylase synthetase deficiency. D634N has been observed in cases with relevant disease (PMID: 17274881, 12633764, 16134170, 40051682). Relevant functional assessments of this variant are not available in the literature. D634N has been observed in referenced population frequency databases. In summary, NM_000411.6(HLCS):c.1900G>A(D634N) is a missense variant that has been observed more frequently in cases with the relevant disease than in healthy populations. Please note: this variant was assessed in the context of healthy population screening.

Natera, Inc.
Classification: Likely pathogenic for Holocarboxylase synthetase deficiency. Last evaluated: 2025-07-24. Review status: criteria provided, single submitter. Criteria: Natera Variant Classification Schema (03/2026). Collection method: clinical testing. Allele origin: germline.
Comment: The c.1900G>A variant in HLCS is a missense variant predicted to cause substitution of aspartic acid to asparagine at amino acid 634. This variant is rare in the general population with a frequency below the threshold expected for the associated phenotype(s). This variant has been observed in one or more individuals affected with the associated recessive disease, as either homozygous or compound heterozygous with a second variant (PMID: 12633764). A different variant at the same position has been determined to be Pathogenic or Likely Pathogenic. Given the available evidence, this variant is classified as Likely Pathogenic.

Women's Health and Genetics/Laboratory Corporation of America, LabCorp
Classification: Uncertain significance. Last evaluated: 2025-06-12. Review status: criteria provided, single submitter. Criteria: LabCorp Variant Classification Summary - May 2015. Collection method: clinical testing. Allele origin: germline.
Comment: Variant summary: HLCS c.1900G>A (p.Asp634Asn) results in a conservative amino acid change located in the Biotinyl protein ligase (BPL) and lipoyl protein ligase (LPL), catalytic domain of the encoded protein sequence. Algorithms developed to predict the effect of missense changes on protein structure and function are either unavailable or do not agree on the potential impact of this missense change. The variant allele was found at a frequency of 1.6e-05 in 251496 control chromosomes. c.1900G>A has been observed in individual(s) affected with Holocarboxylase Synthetase Deficiency. These data indicate that the variant may be associated with disease. To our knowledge, no experimental evidence demonstrating an impact on protein function has been reported. The following publications have been ascertained in the context of this evaluation (PMID: 17274881, 12633764). ClinVar contains an entry for this variant (Variation ID: 558569). Based on the evidence outlined above, the variant was classified as VUS-possibly pathogenic.

3billion
Classification: Likely pathogenic for Holocarboxylase synthetase deficiency. Last evaluated: 2024-06-20. Review status: criteria provided, single submitter. Criteria: ACMG Guidelines, 2015. Collection method: clinical testing. Allele origin: germline. Affected: yes.
Comment: The variant is observed at an extremely low frequency in the gnomAD v4.0.0 dataset (total allele frequency: 0.001%). Predicted Consequence/Location: Missense variant The same nucleotide change resulting in the same amino acid change has been previously reported to be associated with HLCS related disorder (ClinVar ID: VCV000558569 /PMID: 12633764).The variant has been reported to be in trans with a pathogenic variant as either compound heterozygous or homozygous in at least 2 similarly affected unrelated individuals (PMID: 12633764, 17274881).A different missense change at the same codon (p.Asp781Tyr) has been reported to be associated with HLCS related disorder (ClinVar ID: VCV002676009 /PMID: 11735028). Therefore, this variant is classified as Likely pathogenic according to the recommendation of ACMG/AMP guideline.

Labcorp Genetics (formerly Invitae), Labcorp
Classification: Pathogenic for Holocarboxylase synthetase deficiency. Last evaluated: 2024-02-08. Review status: criteria provided, single submitter. Criteria: Invitae Variant Classification Sherloc (09022015). Collection method: clinical testing. Allele origin: germline.
Comment: This sequence change replaces aspartic acid, which is acidic and polar, with asparagine, which is neutral and polar, at codon 634 of the HLCS protein (p.Asp634Asn). This variant is present in population databases (rs149399432, gnomAD 0.006%). This missense change has been observed in individual(s) with holocarboxylase synthetase deficiency (PMID: 12633764, 17274881). In at least one individual the data is consistent with being in trans (on the opposite chromosome) from a pathogenic variant. ClinVar contains an entry for this variant (Variation ID: 558569). Advanced modeling of protein sequence and biophysical properties (such as structural, functional, and spatial information, amino acid conservation, physicochemical variation, residue mobility, and thermodynamic stability) performed at Invitae indicates that this missense variant is expected to disrupt HLCS protein function with a positive predictive value of 80%. This variant disrupts the p.Asp634 amino acid residue in HLCS. Other variant(s) that disrupt this residue have been observed in individuals with HLCS-related conditions (PMID: 11735028), which suggests that this may be a clinically significant amino acid residue. For these reasons, this variant has been classified as Pathogenic.

GeneDx
Classification: Likely pathogenic. Last evaluated: 2023-03-10. Review status: criteria provided, single submitter. Criteria: GeneDx Variant Classification Process June 2021. Collection method: clinical testing. Allele origin: germline. Affected: yes.
Comment: Not observed at significant frequency in large population cohorts (gnomAD); In silico analysis supports that this missense variant does not alter protein structure/function; This variant is associated with the following publications: (PMID: 16134170, 25087612, 12633764, 17274881)

Literature cited by the submitters: PubMed 12633764 (cited by 5 submitters); PubMed 16134170 (cited by Myriad Genetics, Inc.); PubMed 17274881 (cited by 4 submitters); PubMed 40051682 (cited by Myriad Genetics, Inc.); PubMed 11735028 (cited by 3billion and Labcorp Genetics (formerly Invitae), Labcorp).

NM_001352514.2(HLCS):c.2341G>A (p.Asp781Asn)

Gene: HLCS (holocarboxylase synthetase; minus strand). Cytogenetic location: 21q22.13.
Variant type: single nucleotide variant.
Coding change: c.2341G>A on transcript NM_001352514.2 (MANE Select); coding-DNA position 2341, G replaced by A.
Protein change: p.Asp781Asn; replaces aspartic acid 781 with asparagine.
Molecular consequence: missense variant. On other transcripts: non-coding transcript variant (2).
Genome position (GRCh38, 1-based): chr21:36,756,651, C>T on the plus strand (G>A on the coding strand, the complement: HLCS is on the minus strand). VCF-style: chr21-36756651-C-T. GRCh37 (hg19) VCF-style: chr21-38128952-C-T.
Other names: c.1900G>A (NM_000411.7); c.1900G>A, p.Asp634Asn (NM_000411.8, NM_001242784.3, NM_001242785.2 and 4 more transcripts); short protein forms D634N, D781N.
Identifiers: ClinVar variation 558569 (VCV000558569.21), dbSNP rs149399432, ClinGen allele CA10020289.